The following is an entry in ClinVar:

NM_001003694.2(BRPF1):c.3614G>A (p.Arg1205His)

Gene: BRPF1 (bromodomain and PHD finger containing 1; plus strand). Cytogenetic location: 3p25.3.
Variant type: single nucleotide variant.
Coding change: c.3614G>A on transcript NM_001003694.2 (MANE Select); coding-DNA position 3614, G replaced by A.
Protein change: p.Arg1205His; replaces arginine 1205 with histidine.
Molecular consequence: missense variant. On other transcripts: non-coding transcript variant (1).
Genome position (GRCh38, 1-based): chr3:9,747,300, G>A. VCF-style: chr3-9747300-G-A. GRCh37 (hg19) VCF-style: chr3-9788984-G-A.
Other names: c.3311G>A, p.Arg1104His (NM_001319049.2); c.3593G>A, p.Arg1198His (NM_001319050.2); c.3596G>A, p.Arg1199His (NM_004634.3); short protein forms R1198H, R1199H, R1104H, R1205H.
Identifiers: ClinVar variation 1446001 (VCV001446001.6), dbSNP rs755706968, ClinGen allele CA2242433.

ClinVar aggregate classification (germline): Uncertain significance (1 of 4 stars; one submission).

Allele frequency attached by ClinVar (database versions not stated): TOPMed below 0.00001; ExAC 0.00001; gnomAD exomes 0.00001.
gnomAD v4.1: 5 of 1,614,222 alleles (0.00031%); highest among the groups gnomAD compares: Admixed American, 0.0017%; no homozygotes.

Submission:

Labcorp Genetics (formerly Invitae), Labcorp
Classification: Uncertain significance. Last evaluated: 2021-09-26. Review status: criteria provided, single submitter. Criteria: Invitae Variant Classification Sherloc (09022015). Collection method: clinical testing. Allele origin: germline.
Comment: In summary, the available evidence is currently insufficient to determine the role of this variant in disease. Therefore, it has been classified as a Variant of Uncertain Significance. Algorithms developed to predict the effect of missense changes on protein structure and function are either unavailable or do not agree on the potential impact of this missense change (SIFT: "Tolerated"; PolyPhen-2: "Probably Damaging"; Align-GVGD: "Class C0"). This variant has not been reported in the literature in individuals affected with BRPF1-related conditions. This variant is present in population databases (rs755706968, ExAC 0.01%). This sequence change replaces arginine with histidine at codon 1205 of the BRPF1 protein (p.Arg1205His). The arginine residue is moderately conserved and there is a small physicochemical difference between arginine and histidine.